The following is an entry in ClinVar:

ClinVar aggregate classification (germline): Pathogenic (1 of 4 stars; one submission).

Conditions:
Cohen syndrome (COH1). Also called: Cutis verticis gyrata, retinitis pigmentosa, and sensorineural deafness; PEPPER SYNDROME. Identifiers: Orphanet 193, MedGen C0265223, MONDO:0008999, OMIM 216550.

Submission:

Labcorp Genetics (formerly Invitae), Labcorp
Classification: Pathogenic for Cohen syndrome. Last evaluated: 2021-04-17. Review status: criteria provided, single submitter. Criteria: Invitae Variant Classification Sherloc (09022015). Collection method: clinical testing. Allele origin: germline.
Comment: This variant is not present in population databases (ExAC no frequency). This variant has not been reported in the literature in individuals with VPS13B-related conditions. For these reasons, this variant has been classified as Pathogenic. This sequence change creates a premature translational stop signal (p.His1537Glnfs*35) in the VPS13B gene. It is expected to result in an absent or disrupted protein product. Loss-of-function variants in VPS13B are known to be pathogenic (PMID: 15141358, 16648375, 20461111).

Literature cited by the submitters: PubMed 15141358; PubMed 16648375; PubMed 20461111.

NM_152564.5(VPS13B):c.4529_4535dup (p.His1512fs)

Gene: VPS13B (vacuolar protein sorting 13 homolog B; plus strand). Cytogenetic location: 8q22.2.
Variant type: Duplication.
Coding change: c.4529_4535dup on transcript NM_152564.5 (MANE Select); coding-DNA positions 4529 to 4535, 7 bases duplicated (GGACCCA; older notation c.4529_4535dupGGACCCA).
Protein change: p.His1512fs; shifts the reading frame from histidine 1512.
Molecular consequence: frameshift variant.
Genome position (GRCh38, 1-based): chr8:99,511,408-99,511,414, GGACCCA duplicated; duplicating any 7 consecutive bases within chr8:99,511,407-99,511,414 gives the same sequence; the c. name uses the placement nearest the transcript's 3' end. VCF-style (leftmost placement, unchanged base first): chr8-99511406-G-GAGGACCC. GRCh37 (hg19) VCF-style: chr8-100523634-G-GAGGACCC.
Other names: c.4604_4610dup, p.His1537fs (NM_017890.5); short protein forms H1512fs, H1537fs.
Identifiers: ClinVar variation 1383826 (VCV001383826.6), dbSNP rs2133637853, ClinGen allele CA2573143578.
Genomic context (GRCh38, chr8:99,511,406, plus strand): 5'-ATTTCAAGCAAAACTACCAAAGACCCAAAAAGAGAAAAGAAAATCTCCTGGTCAGCCCAT[G>GAGGACCC]AGGACCCATACACTGACATCCCGCAATTTACCTTTGATTTATGTCAACACAAGTGTAATC-3'